The following is an entry in ClinVar:

ClinVar aggregate classification (germline): Uncertain significance (1 of 4 stars; one submission).

Conditions:
Cardiovascular phenotype. Identifiers: MedGen CN230736.

Submission:

Ambry Genetics
Classification: Uncertain significance for Cardiovascular phenotype. Last evaluated: 2021-12-13. Review status: criteria provided, single submitter. Criteria: Ambry Variant Classification Scheme 2023. Collection method: clinical testing. Allele origin: germline.
Comment: The p.D3540A variant (also known as c.10619A>C), located in coding exon 26 of the APOB gene, results from an A to C substitution at nucleotide position 10619. The aspartic acid at codon 3540 is replaced by alanine, an amino acid with dissimilar properties. This amino acid position is conserved. In addition, this alteration is predicted to be tolerated by in silico analysis. Since supporting evidence is limited at this time, the clinical significance of this alteration remains unclear.

NM_000384.3(APOB):c.10619A>C (p.Asp3540Ala)

Gene: APOB (apolipoprotein B; minus strand). Cytogenetic location: 2p24.1.
Variant type: single nucleotide variant.
Coding change: c.10619A>C on transcript NM_000384.3 (MANE Select); coding-DNA position 10619, A replaced by C.
Protein change: p.Asp3540Ala; replaces aspartic acid 3540 with alanine.
Molecular consequence: missense variant.
Genome position (GRCh38, 1-based): chr2:21,006,249, T>G on the plus strand (A>C on the coding strand, the complement: APOB is on the minus strand). VCF-style: chr2-21006249-T-G. GRCh37 (hg19) VCF-style: chr2-21229121-T-G.
Other names: short protein forms D3540A.
Identifiers: ClinVar variation 1780276 (VCV001780276.2), dbSNP rs2103351629, ClinGen allele CA345985896.
Genomic context (GRCh38, chr2:21,006,249, plus strand): 5'-TATATGCGTTGGAGTGTGGCTTCTCCAGCAAAATTTTCTTTTACTTCAAGGTTCCAGATA[T>G]CATCAATTTTGGAAGTGCCCTGCAGCTTCACTGAAGACCGTGTGCTCTTGGAATTCAAGT-3'
Protein context (NP_000375.3, residues 3530-3550): VKLQGTSKID[Asp3540Ala]IWNLEVKENF